The following is an entry in ClinVar:

ClinVar aggregate classification (germline): Benign (0 of 4 stars; one submission).

Conditions:
MAFA-related disorder. Also called: MAFA-related condition.

Allele frequency attached by ClinVar (database versions not stated): gnomAD exomes 0.00046; ExAC 0.00153; gnomAD 0.00456; ESP Exome Variant Server 0.00494; TOPMed 0.00532; 1000 Genomes Project 0.00639; 1000 Genomes Project 30x 0.00640.

Submission:

PreventionGenetics, part of Exact Sciences
Classification: Benign for MAFA-related condition. Last evaluated: 2019-04-11. Review status: no assertion criteria provided. Collection method: clinical testing. Allele origin: germline.
Comment: This variant is classified as benign based on ACMG/AMP sequence variant interpretation guidelines (Richards et al. 2015 PMID: 25741868, with internal and published modifications).

NM_201589.4(MAFA):c.822G>A (p.Lys274=)

Gene: MAFA (MAF bZIP transcription factor A; minus strand). Cytogenetic location: 8q24.3.
Variant type: single nucleotide variant.
Coding change: c.822G>A on transcript NM_201589.4 (MANE Select); coding-DNA position 822, G replaced by A.
Protein change: p.Lys274=; no amino-acid change (lysine 274 retained).
Molecular consequence: synonymous variant.
Genome position (GRCh38, 1-based): chr8:143,429,585, C>T on the plus strand (G>A on the coding strand, the complement: MAFA is on the minus strand). VCF-style: chr8-143429585-C-T. GRCh37 (hg19) VCF-style: chr8-144511755-C-T.
Identifiers: ClinVar variation 3038818 (VCV003038818.2), dbSNP rs78739463, ClinGen allele CA4909892.
Genomic context (GRCh38, chr8:143,429,585, plus strand): 5'-CTCCACCTGGCTCTGGAGTTGGCACTTCTCGCTCTCCAGAATGTGCCGCTGCTGCACCCG[C>T]TTGAAGCGGCAGGACTGCGCGTAGCCGCGGTTCTTGAGCGTGCGCCGCTTCTGCTTGAGC-3'
Protein context (NP_963883.2, residues 264-284): NRGYAQSCRF[Lys274=]RVQQRHILES